The following is an entry in ClinVar:

ClinVar aggregate classification (germline): Uncertain significance. Review status: criteria provided, multiple submitters, no conflicts (2 of 4 stars). 3 submissions from 3 submitters: Uncertain significance (3). Last evaluated 2025-11-03.

Conditions:
Inborn genetic diseases. Identifiers: MedGen C0950123, MeSH D030342.

Allele frequency attached by ClinVar (database versions not stated): ExAC 0.00003; gnomAD exomes 0.00003; TOPMed 0.00003; gnomAD 0.00004; ESP Exome Variant Server 0.00008.
gnomAD v4.1: 29 of 1,613,990 alleles (0.0018%); highest among the groups gnomAD compares: African/African-American, 0.012%; no homozygotes.

Submissions (3):

Ambry Genetics
Classification: Uncertain significance for Inborn genetic diseases. Last evaluated: 2025-11-03. Review status: criteria provided, single submitter. Criteria: Ambry Variant Classification Scheme 2023. Collection method: clinical testing. Allele origin: germline.

Blueprint Genetics
Classification: Uncertain significance. Last evaluated: 2022-10-20. Review status: criteria provided, single submitter. Criteria: ACMG Guidelines, 2015. Collection method: clinical testing. Allele origin: germline.

Labcorp Genetics (formerly Invitae), Labcorp
Classification: Uncertain significance. Last evaluated: 2022-02-09. Review status: criteria provided, single submitter. Criteria: Invitae Variant Classification Sherloc (09022015). Collection method: clinical testing. Allele origin: germline.
Comment: This sequence change replaces threonine, which is neutral and polar, with alanine, which is neutral and non-polar, at codon 68 of the MERTK protein (p.Thr68Ala). This variant is present in population databases (rs138557708, gnomAD 0.008%). In summary, the available evidence is currently insufficient to determine the role of this variant in disease. Therefore, it has been classified as a Variant of Uncertain Significance. Algorithms developed to predict the effect of sequence changes on RNA splicing suggest that this variant may create or strengthen a splice site. Algorithms developed to predict the effect of missense changes on protein structure and function output the following: SIFT: "Tolerated"; PolyPhen-2: "Benign"; Align-GVGD: "Class C0". The alanine amino acid residue is found in multiple mammalian species, which suggests that this missense change does not adversely affect protein function. ClinVar contains an entry for this variant (Variation ID: 970181). This variant has not been reported in the literature in individuals affected with MERTK-related conditions.

NM_006343.3(MERTK):c.202A>G (p.Thr68Ala)

Gene: MERTK (MER proto-oncogene, tyrosine kinase; plus strand). Cytogenetic location: 2q13.
Variant type: single nucleotide variant.
Coding change: c.202A>G on transcript NM_006343.3 (MANE Select); coding-DNA position 202, A replaced by G.
Protein change: p.Thr68Ala; replaces threonine 68 with alanine.
Molecular consequence: missense variant.
Genome position (GRCh38, 1-based): chr2:111,929,260, A>G. VCF-style: chr2-111929260-A-G. GRCh37 (hg19) VCF-style: chr2-112686837-A-G.
Other names: short protein forms T68A.
Identifiers: ClinVar variation 970181 (VCV000970181.10), dbSNP rs138557708, ClinGen allele CA1830996.